The following is an entry in ClinVar:

NM_000264.5(PTCH1):c.649G>T (p.Asp217Tyr)

Gene: PTCH1 (patched 1; minus strand). Cytogenetic location: 9q22.32.
Variant type: single nucleotide variant.
Coding change: c.649G>T on transcript NM_000264.5 (MANE Select); coding-DNA position 649, G replaced by T.
Protein change: p.Asp217Tyr; replaces aspartic acid 217 with tyrosine.
Molecular consequence: missense variant. On other transcripts: non-coding transcript variant (1).
Genome position (GRCh38, 1-based): chr9:95,482,139, C>A on the plus strand (G>T on the coding strand, the complement: PTCH1 is on the minus strand). VCF-style: chr9-95482139-C-A. GRCh37 (hg19) VCF-style: chr9-98244421-C-A.
Other names: c.196G>T, p.Asp66Tyr (NM_001083604.3, NM_001083605.3, NM_001083606.3 and 1 more transcripts); c.649G>T, p.Asp217Tyr (NM_001354918.2); c.451G>T, p.Asp151Tyr (NM_001354919.2, NM_001083602.3); c.646G>T, p.Asp216Tyr (NM_001083603.3); short protein forms D151Y, D66Y, D216Y, D217Y.
Identifiers: ClinVar variation 2067905 (VCV002067905.5), dbSNP rs780378700, ClinGen allele CA374115021.

ClinVar aggregate classification (germline): Uncertain significance. Review status: criteria provided, multiple submitters, no conflicts (2 of 4 stars). 2 submissions from 2 submitters: Uncertain significance (2). Last evaluated 2023-12-17.

Conditions:
Basal cell carcinoma, susceptibility to, 1. Also called: BCC1. Identifiers: MedGen C2751544, MONDO:0011556, OMIM 605462.
Gorlin syndrome. Also called: Basal cell nevus syndrome; Nevoid Basal Cell Carcinoma Syndrome. Identifiers: Orphanet 377, MedGen C0004779, MONDO:0007187.

gnomAD v4.1: 1 of 1,614,058 alleles (0.000062%); highest among the groups gnomAD compares: Non-Finnish European, 0.000085%; no homozygotes.

Submissions (2):

Baylor Genetics
Classification: Uncertain significance for Basal cell carcinoma, susceptibility to, 1. Last evaluated: 2023-12-17. Review status: criteria provided, single submitter. Criteria: ACMG Guidelines, 2015. Collection method: clinical testing. Allele origin: unknown.

Labcorp Genetics (formerly Invitae), Labcorp
Classification: Uncertain significance for Gorlin syndrome. Last evaluated: 2021-12-31. Review status: criteria provided, single submitter. Criteria: Invitae Variant Classification Sherloc (09022015). Collection method: clinical testing. Allele origin: germline.
Comment: In summary, the available evidence is currently insufficient to determine the role of this variant in disease. Therefore, it has been classified as a Variant of Uncertain Significance. Advanced modeling of protein sequence and biophysical properties (such as structural, functional, and spatial information, amino acid conservation, physicochemical variation, residue mobility, and thermodynamic stability) performed at Invitae indicates that this missense variant is not expected to disrupt PTCH1 protein function. This variant has not been reported in the literature in individuals affected with PTCH1-related conditions. This variant is present in population databases (no rsID available, gnomAD 0.0009%). This sequence change replaces aspartic acid, which is acidic and polar, with tyrosine, which is neutral and polar, at codon 217 of the PTCH1 protein (p.Asp217Tyr).